The following is an entry in ClinVar:

NM_006885.4(ZFHX3):c.1770C>T (p.Phe590=)

Gene: ZFHX3 (zinc finger homeobox 3; minus strand). Cytogenetic location: 16q22.3.
Variant type: single nucleotide variant.
Coding change: c.1770C>T on transcript NM_006885.4 (MANE Select); coding-DNA position 1770, C replaced by T.
Protein change: p.Phe590=; no amino-acid change (phenylalanine 590 retained).
Molecular consequence: synonymous variant. On other transcripts: intron variant (1).
Genome position (GRCh38, 1-based): chr16:72,958,376, G>A on the plus strand (C>T on the coding strand, the complement: ZFHX3 is on the minus strand). VCF-style: chr16-72958376-G-A. GRCh37 (hg19) VCF-style: chr16-72992275-G-A.
Other names: c.1770C>T (NM_006885.3); c.-23-7411C>T (NM_001164766.2).
Identifiers: ClinVar variation 808103 (VCV000808103.37), dbSNP rs12930835, ClinGen allele CA8164638.

ClinVar aggregate classification (germline): Likely benign. Review status: criteria provided, multiple submitters, no conflicts (2 of 4 stars). 3 submissions from 3 submitters: Likely benign (2). 1 of the submissions does not count toward it. Last evaluated 2026-09-01.

Conditions:
ZFHX3-related disorder. Also called: ZFHX3-related condition.

Allele frequency attached by ClinVar (database versions not stated): 1000 Genomes Project 30x 0.00172; 1000 Genomes Project 0.00180; ExAC 0.00411; gnomAD exomes 0.00441; gnomAD 0.00485 and 0.00508; TOPMed 0.00525; ESP Exome Variant Server 0.00554.
gnomAD v4.1: 10,946 of 1,614,130 alleles (0.68%); highest among the groups gnomAD compares: Non-Finnish European, 0.8%; 55 homozygotes.

Submissions (3):

CeGaT Center for Human Genetics Tuebingen
Classification: Likely benign. Last evaluated: 2026-09-01. Review status: criteria provided, single submitter. Criteria: CeGaT Center For Human Genetics Tuebingen Variant Classification Criteria Version 2. Collection method: clinical testing. Allele origin: germline. Affected: yes. Observed: 13 variant alleles.
Comment: ZFHX3: BP4, BP7, BS2

Breakthrough Genomics
Classification: Likely benign. Review status: criteria provided, single submitter. Criteria: ACMG Guidelines, 2015. Collection method: not provided. Allele origin: germline. Inheritance: Autosomal dominant inheritance. Affected: yes.

PreventionGenetics, part of Exact Sciences
Classification: Benign for ZFHX3-related condition. Last evaluated: 2019-07-30. Review status: no assertion criteria provided. Collection method: clinical testing. Allele origin: germline. Not counted in ClinVar's aggregate classification.
Comment: This variant is classified as benign based on ACMG/AMP sequence variant interpretation guidelines (Richards et al. 2015 PMID: 25741868, with internal and published modifications).